The following is an entry in ClinVar:

NM_001231.5(CASQ1):c.1138G>A (p.Val380Ile)

Gene: CASQ1 (calsequestrin 1; plus strand). Cytogenetic location: 1q23.2.
Variant type: single nucleotide variant.
Coding change: c.1138G>A on transcript NM_001231.5 (MANE Select); coding-DNA position 1138, G replaced by A.
Protein change: p.Val380Ile; replaces valine 380 with isoleucine.
Molecular consequence: missense variant.
Genome position (GRCh38, 1-based): chr1:160,201,323, G>A. VCF-style: chr1-160201323-G-A. GRCh37 (hg19) VCF-style: chr1-160171113-G-A.
Other names: short protein forms V380I.
Identifiers: ClinVar variation 3642319 (VCV003642319.2).

ClinVar aggregate classification (germline): Uncertain significance (1 of 4 stars; one submission).

Submission:

Labcorp Genetics (formerly Invitae), Labcorp
Classification: Uncertain significance. Last evaluated: 2024-03-24. Review status: criteria provided, single submitter. Criteria: Invitae Variant Classification Sherloc (09022015). Collection method: clinical testing. Allele origin: germline.
Comment: This sequence change replaces valine, which is neutral and non-polar, with isoleucine, which is neutral and non-polar, at codon 380 of the CASQ1 protein (p.Val380Ile). This variant is not present in population databases (gnomAD no frequency). This variant has not been reported in the literature in individuals affected with CASQ1-related conditions. Advanced modeling of protein sequence and biophysical properties (such as structural, functional, and spatial information, amino acid conservation, physicochemical variation, residue mobility, and thermodynamic stability) performed at Invitae indicates that this missense variant is not expected to disrupt CASQ1 protein function with a negative predictive value of 80%. In summary, the available evidence is currently insufficient to determine the role of this variant in disease. Therefore, it has been classified as a Variant of Uncertain Significance.